The following is an entry in ClinVar:

ClinVar aggregate classification (germline): Uncertain significance (1 of 4 stars; one submission).

Conditions:
Congenital contractural arachnodactyly (CCA). Also called: Arthrogryposis, distal, type 9; BEALS SYNDROME; Beals-Hecht syndrome. Identifiers: Orphanet 115, MedGen C0220668, MONDO:0007363, OMIM 121050.

Submission:

Labcorp Genetics (formerly Invitae), Labcorp
Classification: Uncertain significance for Congenital contractural arachnodactyly. Last evaluated: 2022-07-26. Review status: criteria provided, single submitter. Criteria: Invitae Variant Classification Sherloc (09022015). Collection method: clinical testing. Allele origin: germline.
Comment: This sequence change replaces glutamic acid, which is acidic and polar, with glycine, which is neutral and non-polar, at codon 677 of the FBN2 protein (p.Glu677Gly). This variant is not present in population databases (gnomAD no frequency). This variant has not been reported in the literature in individuals affected with FBN2-related conditions. ClinVar contains an entry for this variant (Variation ID: 1482734). Advanced modeling of protein sequence and biophysical properties (such as structural, functional, and spatial information, amino acid conservation, physicochemical variation, residue mobility, and thermodynamic stability) performed at Invitae indicates that this missense variant is not expected to disrupt FBN2 protein function. In summary, the available evidence is currently insufficient to determine the role of this variant in disease. Therefore, it has been classified as a Variant of Uncertain Significance.

NM_001999.4(FBN2):c.2030A>G (p.Glu677Gly)

Gene: FBN2 (fibrillin 2; minus strand). Cytogenetic location: 5q23.3.
Variant type: single nucleotide variant.
Coding change: c.2030A>G on transcript NM_001999.4 (MANE Select); coding-DNA position 2030, A replaced by G.
Protein change: p.Glu677Gly; replaces glutamic acid 677 with glycine.
Molecular consequence: missense variant.
Genome position (GRCh38, 1-based): chr5:128,374,693, T>C on the plus strand (A>G on the coding strand, the complement: FBN2 is on the minus strand). VCF-style: chr5-128374693-T-C. GRCh37 (hg19) VCF-style: chr5-127710386-T-C.
Other names: short protein forms E677G.
Identifiers: ClinVar variation 1482734 (VCV001482734.6), dbSNP rs2126954710, ClinGen allele CA360740357.